The following is an entry in ClinVar:

NM_000377.3(WAS):c.1390G>T (p.Glu464Ter)

Gene: WAS (WASP actin nucleation promoting factor; plus strand). Cytogenetic location: Xp11.23.
Variant type: single nucleotide variant.
Coding change: c.1390G>T on transcript NM_000377.3 (MANE Select); coding-DNA position 1390, G replaced by T.
Protein change: p.Glu464Ter; replaces glutamic acid 464 with a stop codon.
Molecular consequence: nonsense.
Genome position (GRCh38, 1-based): chrX:48,689,371, G>T. VCF-style: chrX-48689371-G-T. GRCh37 (hg19) VCF-style: chrX-48547760-G-T.
Other names: short protein forms E464*.
Identifiers: ClinVar variation 3759642 (VCV003759642.2).

ClinVar aggregate classification (germline): Pathogenic (1 of 4 stars; one submission).

Conditions:
X-linked severe congenital neutropenia (SCNX). Identifiers: Orphanet 86788, MedGen C1845987, MONDO:0010294, OMIM 300299.
Thrombocytopenia 1. Also called: THROMBOCYTOPENIA, X-LINKED, 1; X-linked thrombocytopenia with normal platelets; X-Linked Thrombocytopenia (XLT). Identifiers: Orphanet 268322, Orphanet 852, MedGen C1839163, MONDO:0010743, OMIM 313900.
Wiskott-Aldrich syndrome (WAS). Also called: ALDRICH SYNDROME; IMMUNODEFICIENCY 2; Wiskott-aldrich syndrome, somatic; WISKOTT-ALDRICH SYNDROME 1. Identifiers: Orphanet 906, MedGen C0043194, MONDO:0010518, OMIM 301000.

Submission:

Labcorp Genetics (formerly Invitae), Labcorp
Classification: Pathogenic for Wiskott-Aldrich syndrome; X-linked severe congenital neutropenia; Thrombocytopenia 1. Last evaluated: 2024-04-02. Review status: criteria provided, single submitter. Criteria: Invitae Variant Classification Sherloc (09022015). Collection method: clinical testing. Allele origin: germline.
Comment: This sequence change creates a premature translational stop signal (p.Glu464*) in the WAS gene. It is expected to result in an absent or disrupted protein product. Loss-of-function variants in WAS are known to be pathogenic (PMID: 15284122). This variant is not present in population databases (gnomAD no frequency). This premature translational stop signal has been observed in individual(s) with Wiskott-Aldrich syndrome (PMID: 23264413). Algorithms developed to predict the effect of sequence changes on RNA splicing suggest that this variant may disrupt the consensus splice site. For these reasons, this variant has been classified as Pathogenic.

Literature cited by the submitters: PubMed 15284122; PubMed 23264413.